The following is an entry in ClinVar:

ClinVar aggregate classification (germline): Uncertain significance (1 of 4 stars; one submission).

Submission:

Labcorp Genetics (formerly Invitae), Labcorp
Classification: Uncertain significance. Last evaluated: 2025-12-02. Review status: criteria provided, single submitter. Criteria: Invitae Variant Classification Sherloc (09022015). Collection method: clinical testing. Allele origin: germline.
Comment: This sequence change replaces methionine, which is neutral and non-polar, with isoleucine, which is neutral and non-polar, at codon 416 of the LZTR1 protein (p.Met416Ile). This variant is not present in population databases (gnomAD no frequency). This variant has not been reported in the literature in individuals affected with LZTR1-related conditions. Invitae Evidence Modeling of protein sequence and biophysical properties (such as structural, functional, and spatial information, amino acid conservation, physicochemical variation, residue mobility, and thermodynamic stability) indicates that this missense variant is not expected to disrupt LZTR1 protein function with a negative predictive value of 80%. In summary, the available evidence is currently insufficient to determine the role of this variant in disease. Therefore, it has been classified as a Variant of Uncertain Significance.

NM_006767.4(LZTR1):c.1248G>T (p.Met416Ile)

Gene: LZTR1 (leucine zipper like post translational regulator 1; plus strand). Cytogenetic location: 22q11.21.
Variant type: single nucleotide variant.
Coding change: c.1248G>T on transcript NM_006767.4 (MANE Select); coding-DNA position 1248, G replaced by T.
Protein change: p.Met416Ile; replaces methionine 416 with isoleucine.
Molecular consequence: missense variant.
Genome position (GRCh38, 1-based): chr22:20,992,892, G>T. VCF-style: chr22-20992892-G-T. GRCh37 (hg19) VCF-style: chr22-21347181-G-T.
Other names: short protein forms M416I.
Identifiers: ClinVar variation 4743219 (VCV004743219.1).